The following is an entry in ClinVar:

NM_182914.3(SYNE2):c.2390A>G (p.Asn797Ser)

Gene: SYNE2 (spectrin repeat containing nuclear envelope protein 2; plus strand). Cytogenetic location: 14q23.2.
Variant type: single nucleotide variant.
Coding change: c.2390A>G on transcript NM_182914.3 (MANE Select); coding-DNA position 2390, A replaced by G.
Protein change: p.Asn797Ser; replaces asparagine 797 with serine.
Molecular consequence: missense variant.
Genome position (GRCh38, 1-based): chr14:63,990,487, A>G. VCF-style: chr14-63990487-A-G. GRCh37 (hg19) VCF-style: chr14-64457205-A-G.
Other names: c.2390A>G, p.Asn797Ser (NM_015180.6); short protein forms N797S.
Identifiers: ClinVar variation 3606912 (VCV003606912.2).

ClinVar aggregate classification (germline): Uncertain significance (1 of 4 stars; one submission).

Conditions:
Emery-Dreifuss muscular dystrophy 5, autosomal dominant (EDMD5). Also called: EMERY-DREIFUSS MUSCULAR DYSTROPHY 5. Identifiers: Orphanet 261, MedGen C2751805, MONDO:0013072, OMIM 612999.

Submission:

Labcorp Genetics (formerly Invitae), Labcorp
Classification: Uncertain significance for Emery-Dreifuss muscular dystrophy 5, autosomal dominant. Last evaluated: 2024-09-26. Review status: criteria provided, single submitter. Criteria: Invitae Variant Classification Sherloc (09022015). Collection method: clinical testing. Allele origin: germline.
Comment: This sequence change replaces asparagine, which is neutral and polar, with serine, which is neutral and polar, at codon 797 of the SYNE2 protein (p.Asn797Ser). This variant is not present in population databases (gnomAD no frequency). This variant has not been reported in the literature in individuals affected with SYNE2-related conditions. An algorithm developed to predict the effect of missense changes on protein structure and function outputs the following: PolyPhen-2: "Benign". The serine amino acid residue is found in multiple mammalian species, which suggests that this missense change does not adversely affect protein function. In summary, the available evidence is currently insufficient to determine the role of this variant in disease. Therefore, it has been classified as a Variant of Uncertain Significance.